The following is an entry in ClinVar:

ClinVar aggregate classification (germline): Uncertain significance. Review status: criteria provided, multiple submitters, no conflicts (2 of 4 stars). 2 submissions from 2 submitters: Uncertain significance (2). Last evaluated 2026-02-16.

Conditions:
EGFR-related lung cancer (EGFR). Identifiers: MedGen CN130014.
Hereditary cancer-predisposing syndrome. Also called: Hereditary Cancer Syndrome; Neoplastic Syndromes, Hereditary; Tumor predisposition; Hereditary neoplastic syndrome. Identifiers: Orphanet 140162, MedGen C0027672, MeSH D009386, MONDO:0015356.

Allele frequency attached by ClinVar (database versions not stated): gnomAD exomes below 0.00001.
gnomAD v4.1: 2 of 1,614,028 alleles (0.00012%); highest among the groups gnomAD compares: Non-Finnish European, 0.00017%; no homozygotes.

Submissions (2):

Ambry Genetics
Classification: Uncertain significance for Hereditary cancer-predisposing syndrome. Last evaluated: 2026-02-16. Review status: criteria provided, single submitter. Criteria: Ambry Variant Classification Scheme 2023. Collection method: clinical testing. Allele origin: germline.
Comment: The p.I214T variant (also known as c.641T>C), located in coding exon 6 of the EGFR gene, results from a T to C substitution at nucleotide position 641. The isoleucine at codon 214 is replaced by threonine, an amino acid with similar properties. This amino acid position is conserved. In addition, the in silico prediction for this alteration is inconclusive. Based on the available evidence, the clinical significance of this variant remains unclear.

Labcorp Genetics (formerly Invitae), Labcorp
Classification: Uncertain significance for EGFR-related lung cancer. Last evaluated: 2020-10-21. Review status: criteria provided, single submitter. Criteria: Invitae Variant Classification Sherloc (09022015). Collection method: clinical testing. Allele origin: germline.
Comment: This sequence change replaces isoleucine with threonine at codon 214 of the EGFR protein (p.Ile214Thr). The isoleucine residue is moderately conserved and there is a moderate physicochemical difference between isoleucine and threonine. This variant is not present in population databases (ExAC no frequency). This variant has not been reported in the literature in individuals with EGFR-related conditions. Algorithms developed to predict the effect of missense changes on protein structure and function (SIFT, PolyPhen-2, Align-GVGD) all suggest that this variant is likely to be tolerated, but these predictions have not been confirmed by published functional studies and their clinical significance is uncertain. In summary, the available evidence is currently insufficient to determine the role of this variant in disease. Therefore, it has been classified as a Variant of Uncertain Significance.

NM_005228.5(EGFR):c.641T>C (p.Ile214Thr)

Gene: EGFR (epidermal growth factor receptor; plus strand). Cytogenetic location: 7p11.2.
Variant type: single nucleotide variant.
Coding change: c.641T>C on transcript NM_005228.5 (MANE Select); coding-DNA position 641, T replaced by C.
Protein change: p.Ile214Thr; replaces isoleucine 214 with threonine.
Molecular consequence: missense variant. On other transcripts: intron variant (1).
Genome position (GRCh38, 1-based): chr7:55,152,558, T>C. VCF-style: chr7-55152558-T-C. GRCh37 (hg19) VCF-style: chr7-55220251-T-C.
Other names: c.641T>C, p.Ile214Thr (NM_201282.2, NM_201283.2, NM_201284.2 and 1 more transcripts); c.89-3272T>C (NM_001346941.2); c.506T>C, p.Ile169Thr (NM_001346897.2, NM_001346899.2); c.482T>C, p.Ile161Thr (NM_001346900.2); c.641T>C (NM_005228.3); short protein forms I161T, I169T, I214T.
Identifiers: ClinVar variation 1026402 (VCV001026402.9), dbSNP rs1785211053, ClinGen allele CA367577341.